The following is an entry in ClinVar:

NM_024675.4(PALB2):c.190_191del (p.Ser64fs)

Gene: PALB2 (partner and localizer of BRCA2; minus strand). Cytogenetic location: 16p12.2.
Variant type: Microsatellite.
Coding change: c.190_191del on transcript NM_024675.4 (MANE Select); coding-DNA positions 190 to 191, 2 bases deleted (TC; older notation c.190_191delTC).
Protein change: p.Ser64fs; shifts the reading frame from serine 64.
Molecular consequence: frameshift variant. On other transcripts: 5 prime UTR variant (8), intron variant (3).
Genome position (GRCh38, 1-based): chr16:23,637,870-23,637,871, GA deleted on the plus strand (TC on the coding strand, the reverse complement: PALB2 is on the minus strand); deleting any 2 consecutive bases within chr16:23,637,870-23,637,875 gives the same sequence; the c. name uses the placement nearest the transcript's 3' end. VCF-style (leftmost placement, unchanged base first): chr16-23637869-TGA-T. GRCh37 (hg19) VCF-style: chr16-23649190-TGA-T.
Other names: c.130_131del, p.Ser44fs (NM_001407296.1); c.190_191del, p.Ser64fs (NM_001407297.1, NM_001407298.1, NM_001407299.1 and 3 more transcripts); c.-700TC[2] (NM_001407304.1, NM_001407305.1, NM_001407306.1 and 5 more transcripts); c.48+3235TC[2] (NM_001407314.1); c.-105+3235TC[2] (NM_001407313.1, NM_001407312.1); short protein forms S44fs, S64fs.
Identifiers: ClinVar variation 3721872 (VCV003721872.2).

ClinVar aggregate classification (germline): Pathogenic (1 of 4 stars; one submission).

Conditions:
Familial cancer of breast. Also called: BREAST CANCER, FAMILIAL; Hereditary breast cancer; hereditary breast carcinoma. Identifiers: Orphanet 227535, MedGen C0346153, MONDO:0016419, OMIM 114480. Disease mechanism: loss of function.

Submission:

Labcorp Genetics (formerly Invitae), Labcorp
Classification: Pathogenic for Familial cancer of breast. Last evaluated: 2025-11-17. Review status: criteria provided, single submitter. Criteria: Invitae Variant Classification Sherloc (09022015). Collection method: clinical testing. Allele origin: germline.
Comment: This sequence change creates a premature translational stop signal (p.Ser64Thrfs*9) in the PALB2 gene. It is expected to result in an absent or disrupted protein product. Loss-of-function variants in PALB2 are known to be pathogenic (PMID: 17200668, 17200671, 17200672, 24136930, 25099575). This variant is not present in population databases (gnomAD no frequency). This variant has not been reported in the literature in individuals affected with PALB2-related conditions. For these reasons, this variant has been classified as Pathogenic.

Literature cited by the submitters: PubMed 17200668; PubMed 17200671; PubMed 17200672; PubMed 24136930; PubMed 25099575.